The following is an entry in ClinVar:

NM_033163.5(FGF8):c.497A>G (p.Asn166Ser)

Gene: FGF8 (fibroblast growth factor 8; minus strand). Cytogenetic location: 10q24.32.
Variant type: single nucleotide variant.
Coding change: c.497A>G on transcript NM_033163.5 (MANE Select); coding-DNA position 497, A replaced by G.
Protein change: p.Asn166Ser; replaces asparagine 166 with serine.
Molecular consequence: missense variant.
Genome position (GRCh38, 1-based): chr10:101,770,567, T>C on the plus strand (A>G on the coding strand, the complement: FGF8 is on the minus strand). VCF-style: chr10-101770567-T-C. GRCh37 (hg19) VCF-style: chr10-103530324-T-C.
Other names: c.185A>G, p.Asn62Ser (NM_001206389.2); c.410A>G, p.Asn137Ser (NM_006119.6); c.464A>G, p.Asn155Ser (NM_033164.4); c.377A>G, p.Asn126Ser (NM_033165.5); short protein forms N155S, N166S, N126S, N137S, N62S.
Identifiers: ClinVar variation 545460 (VCV000545460.2), dbSNP rs778082287, ClinGen allele CA5657567.
Genomic context (GRCh38, chr10:101,770,567, plus strand): 5'-CCCTTGCGGGTGAAGGCCATGTACCAGCCCTCGTACTTGGCATTCTGCAGCGCTGTGTAG[T>C]TGTTCTCCAGCACAATCTCCGTGAAGACGCAGTCCTTGCCTTTGCCGTTGCTCTGCAGGT-3'
Protein context (NP_149353.1, residues 156-176): CVFTEIVLEN[Asn166Ser]YTALQNAKYE

ClinVar aggregate classification (germline): Uncertain significance (1 of 4 stars; one submission).

Conditions:
Holoprosencephaly sequence (HPE). Also called: Holoprosencephaly. Identifiers: Orphanet 2162, MedGen C0079541, MONDO:0016296, HP:0001360.

Allele frequency attached by ClinVar (database versions not stated): gnomAD exomes below 0.00001; ExAC 0.00001.
gnomAD v4.1: 1 of 1,613,134 alleles (0.000062%); highest among the groups gnomAD compares: Non-Finnish European, 0.000085%; no homozygotes.

Submission:

Muenke lab, National Institutes of Health
Classification: Uncertain significance for Holoprosencephaly sequence. Last evaluated: 2018-04-18. Review status: criteria provided, single submitter. Criteria: Submitter's publication. Collection method: research. Allele origin: not applicable. Inheritance: Autosomal dominant inheritance.
Comment: Statistically different in zebrafish functional studies compared to the normal FGF8 isoform. However, experimental variability was detected between repeated independent studies. Experimental and bioinformatic predictions suggest a weak hypomorph. ACMG: PS3;PP3 (variable hypomorph; site affected by glycosylation based on this variant as well as synthetic codon variants tested for glycosylation changes reflected by altered electrophoretic mobility in Western blots). Stronger loss of activity seen with purely synthetic codon variants.